The following is an entry in ClinVar:

NM_024334.3(TMEM43):c.606del (p.Phe203fs)

Gene: TMEM43 (transmembrane protein 43; plus strand). Cytogenetic location: 3p25.1.
Variant type: Deletion.
Coding change: c.606del on transcript NM_024334.3 (MANE Select); coding-DNA position 606, one base deleted (C; older notation c.606delC).
Protein change: p.Phe203fs; shifts the reading frame from phenylalanine 203.
Molecular consequence: frameshift variant.
Genome position (GRCh38, 1-based): chr3:14,134,792, C deleted. VCF-style (leftmost placement, unchanged base first): chr3-14134791-AC-A. GRCh37 (hg19) VCF-style: chr3-14176291-AC-A.
Other names: c.606delC (NM_024334.2); short protein forms F203fs.
Identifiers: ClinVar variation 857932 (VCV000857932.12), dbSNP rs753024549, ClinGen allele CA2266943.

ClinVar aggregate classification (germline): Uncertain significance. Review status: criteria provided, multiple submitters, no conflicts (2 of 4 stars). 5 submissions from 5 submitters: Uncertain significance (4). 1 of the submissions does not count toward it. Last evaluated 2025-09-24.

Conditions:
Cardiovascular phenotype. Identifiers: MedGen CN230736.
Arrhythmogenic right ventricular dysplasia 5. Also called: Arrhythmogenic Right Ventricular Dysplasia/Cardiomyopathy 5; ARRHYTHMOGENIC RIGHT VENTRICULAR DYSPLASIA, FAMILIAL, 5. Identifiers: MedGen C1858379, MONDO:0011459, OMIM 604400.
TMEM43-related disorder. Also called: TMEM43-related condition.
Cardiomyopathy (CMYO). Also called: Cardiomyopathies. Identifiers: Orphanet 167848, MedGen C0878544, MONDO:0004994, HP:0001638. Inheritance: Various modes of inheritance.

Allele frequency attached by ClinVar (database versions not stated): TOPMed below 0.00001; ExAC 0.00001; gnomAD exomes below 0.00001; gnomAD 0.00001.

Submissions (5):

Labcorp Genetics (formerly Invitae), Labcorp
Classification: Uncertain significance for Arrhythmogenic right ventricular dysplasia 5. Last evaluated: 2025-09-24. Review status: criteria provided, single submitter. Criteria: Invitae Variant Classification Sherloc (09022015). Collection method: clinical testing. Allele origin: germline.
Comment: This sequence change creates a premature translational stop signal (p.Phe203Serfs*4) in the TMEM43 gene. It is expected to result in an absent or disrupted protein product. However, the current clinical and genetic evidence is not sufficient to establish whether loss-of-function variants in TMEM43 cause disease. This variant is present in population databases (rs753024549, gnomAD 0.003%). This variant has not been reported in the literature in individuals affected with TMEM43-related conditions. ClinVar contains an entry for this variant (Variation ID: 857932). In summary, the available evidence is currently insufficient to determine the role of this variant in disease. Therefore, it has been classified as a Variant of Uncertain Significance.

Color Diagnostics, LLC DBA Color Health
Classification: Uncertain significance for Cardiomyopathy. Last evaluated: 2025-09-23. Review status: criteria provided, single submitter. Criteria: ACMG Guidelines, 2015. Collection method: clinical testing. Allele origin: germline.
Comment: This variant deletes 1 nucleotide in exon 8 of the TMEM43 gene, creating a frameshift and premature translation stop signal. This variant is expected to result in an absent or non-functional protein product. To our knowledge, this variant has not been reported in individuals affected with TMEM43-related disorders in the literature. This variant has been identified in 1/251458 chromosomes in the general population by the Genome Aggregation Database (gnomAD). The role of loss-of-function TMEM43 truncation variants in autosomal dominant cardiovascular disorders is not clearly understood. The available evidence is insufficient to determine the role of this variant in disease conclusively. Therefore, this variant is classified as a Variant of Uncertain Significance.

Ambry Genetics
Classification: Uncertain significance for Cardiovascular phenotype. Last evaluated: 2025-06-12. Review status: criteria provided, single submitter. Criteria: Ambry Variant Classification Scheme 2023. Collection method: clinical testing. Allele origin: germline.
Comment: The c.606delC variant, located in coding exon 8 of the TMEM43 gene, results from a deletion of one nucleotide at nucleotide position 606, causing a translational frameshift with a predicted alternate stop codon (p.F203Sfs*4). This alteration is expected to result in protein truncation or nonsense-mediated mRNA decay. However, loss of function of TMEM43 has not been established as a mechanism of disease. Since supporting evidence is limited at this time, the clinical significance of this alteration remains unclear.

All of Us Research Program, National Institutes of Health
Classification: Uncertain significance for Arrhythmogenic right ventricular dysplasia 5. Last evaluated: 2023-12-01. Review status: criteria provided, single submitter. Criteria: ACMG Guidelines, 2015. Collection method: clinical testing. Allele origin: germline. Inheritance: Autosomal dominant inheritance. Observed: 1 variant allele, 1 heterozygote.
Comment: This study involves interpretation of variants in research participants for the purpose of population health screening. Participant phenotype was not available at the time of variant classification. Additional details can be found in publication PMID: 35346344, PMCID: PMC8962531

PreventionGenetics, part of Exact Sciences
Classification: Uncertain significance for TMEM43-related condition. Last evaluated: 2024-09-12. Review status: no assertion criteria provided. Collection method: clinical testing. Allele origin: germline. Not counted in ClinVar's aggregate classification.
Comment: The TMEM43 c.606delC variant is predicted to result in a frameshift and premature protein termination (p.Phe203Serfs*4). To our knowledge, this variant has not been reported in the literature. This variant is reported in 0.0029% of alleles in individuals of Latino descent in gnomAD. Loss of function is not an established mechanism of TMEM43-related disease. At this time, the clinical significance of this variant is uncertain due to the absence of conclusive functional and genetic evidence.